The following is an entry in ClinVar:

NM_000075.4(CDK4):c.570A>C (p.Thr190=)

Gene: CDK4 (cyclin dependent kinase 4; minus strand). Cytogenetic location: 12q14.1.
Variant type: single nucleotide variant.
Coding change: c.570A>C on transcript NM_000075.4 (MANE Select); coding-DNA position 570, A replaced by C.
Protein change: p.Thr190=; no amino-acid change (threonine 190 retained).
Molecular consequence: synonymous variant.
Genome position (GRCh38, 1-based): chr12:57,750,718, T>G on the plus strand (A>C on the coding strand, the complement: CDK4 is on the minus strand). VCF-style: chr12-57750718-T-G. GRCh37 (hg19) VCF-style: chr12-58144501-T-G.
Identifiers: ClinVar variation 1621293 (VCV001621293.11), dbSNP rs1428628208, ClinGen allele CA480301217.
Genomic context (GRCh38, chr12:57,750,718, plus strand): 5'-TCGACGAAACATCTCTGCAAAGATACAGCCAACACTCCACATGTCCACAGGTGTTGCATA[T>G]GTGGACTGCAGAAGAACTTCGGGAGCTCGGTACCAGAGTGTAACAACCTAAAGGGAATAG-3'
Protein context (NP_000066.1, residues 180-200): YRAPEVLLQS[Thr190=]YATPVDMWSV

ClinVar aggregate classification (germline): Benign/Likely benign. Review status: criteria provided, multiple submitters, no conflicts (2 of 4 stars). 3 submissions from 3 submitters: Benign (1); Likely benign (2). Last evaluated 2026-01-13.

Conditions:
Familial melanoma. Also called: Hereditary melanoma; Hereditary cutaneous melanoma. Identifiers: Orphanet 618, MedGen C1512419, MONDO:0018961.
Hereditary cancer-predisposing syndrome. Also called: Hereditary Cancer Syndrome; Neoplastic Syndromes, Hereditary; Hereditary neoplastic syndrome; Tumor predisposition. Identifiers: Orphanet 140162, MedGen C0027672, MeSH D009386, MONDO:0015356.
Melanoma, cutaneous malignant, susceptibility to, 3. Also called: Cutaneous malignant melanoma 3. Identifiers: Orphanet 618, MedGen C1836892, MONDO:0012183, OMIM 609048.

Submissions (3):

Labcorp Genetics (formerly Invitae), Labcorp
Classification: Likely benign for Familial melanoma. Last evaluated: 2026-01-13. Review status: criteria provided, single submitter. Criteria: Invitae Variant Classification Sherloc (09022015). Collection method: clinical testing. Allele origin: germline.

Myriad Genetics, Inc.
Classification: Benign for Melanoma, cutaneous malignant, susceptibility to, 3. Last evaluated: 2024-09-26. Review status: criteria provided, single submitter. Criteria: Myriad Autosomal Dominant, Autosomal Recessive and X-Linked Classification Criteria (2023). Collection method: clinical testing. Allele origin: unknown.
Comment: This variant is considered benign. This variant is a silent/synonymous amino acid change and it is not expected to impact splicing.

Ambry Genetics
Classification: Likely benign for Hereditary cancer-predisposing syndrome. Last evaluated: 2017-12-01. Review status: criteria provided, single submitter. Criteria: Ambry Variant Classification Scheme 2023. Collection method: clinical testing. Allele origin: germline.